The following is an entry in ClinVar:

ClinVar aggregate classification (germline): Likely pathogenic (1 of 4 stars; one submission).

Conditions:
Joubert syndrome. Also called: CEREBELLOPARENCHYMAL DISORDER IV; JOUBERT-BOLTSHAUSER SYNDROME; Familial aplasia of the vermis. Identifiers: Orphanet 475, MedGen C5979921, MONDO:0018772.
Meckel-Gruber syndrome. Also called: DYSENCEPHALIA SPLANCHNOCYSTICA; GRUBER SYNDROME; Dysencephalia splachnocystica. Identifiers: Orphanet 564, MedGen C0265215, MONDO:0018921.

Allele frequency attached by ClinVar (database versions not stated): gnomAD exomes below 0.00001.
gnomAD v4.1: 1 of 1,611,576 alleles (0.000062%); highest among the groups gnomAD compares: Non-Finnish European, 0.000085%; no homozygotes.

Submission:

Labcorp Genetics (formerly Invitae), Labcorp
Classification: Likely pathogenic for Joubert syndrome; Meckel-Gruber syndrome. Last evaluated: 2023-07-24. Review status: criteria provided, single submitter. Criteria: Invitae Variant Classification Sherloc (09022015). Collection method: clinical testing. Allele origin: germline.
Comment: This variant is not present in population databases (gnomAD no frequency). This variant has not been reported in the literature in individuals affected with TMEM67-related conditions. ClinVar contains an entry for this variant (Variation ID: 2199585). Algorithms developed to predict the effect of sequence changes on RNA splicing suggest that this variant may disrupt the consensus splice site. In summary, the currently available evidence indicates that the variant is pathogenic, but additional data are needed to prove that conclusively. Therefore, this variant has been classified as Likely Pathogenic. This sequence change affects a donor splice site in intron 5 of the TMEM67 gene. It is expected to disrupt RNA splicing. Variants that disrupt the donor or acceptor splice site typically lead to a loss of protein function (PMID: 16199547), and loss-of-function variants in TMEM67 are known to be pathogenic (PMID: 20232449, 23559409).

Literature cited by the submitters: PubMed 16199547; PubMed 20232449; PubMed 23559409.

NM_153704.6(TMEM67):c.576+2T>C

Gene: TMEM67 (transmembrane protein 67; plus strand). Cytogenetic location: 8q22.1.
Variant type: single nucleotide variant.
Coding change: c.576+2T>C on transcript NM_153704.6 (MANE Select); the canonical splice donor site of the intron after coding-DNA position 576, T replaced by C.
Molecular consequence: splice donor variant.
Genome position (GRCh38, 1-based): chr8:93,765,477, T>C. VCF-style: chr8-93765477-T-C. GRCh37 (hg19) VCF-style: chr8-94777705-T-C.
Other names: c.333+2T>C (NM_001142301.1).
Identifiers: ClinVar variation 2199585 (VCV002199585.4), dbSNP rs2536790447, ClinGen allele CA371687065.